The following is an entry in ClinVar:

NM_016333.4(SRRM2):c.1032+8C>T

Gene: SRRM2 (serine/arginine repetitive matrix 2; plus strand). Cytogenetic location: 16p13.3.
Variant type: single nucleotide variant.
Coding change: c.1032+8C>T on transcript NM_016333.4 (MANE Select); 8 bases into the intron after coding-DNA position 1032, C replaced by T.
Molecular consequence: intron variant.
Genome position (GRCh38, 1-based): chr16:2,760,507, C>T. VCF-style: chr16-2760507-C-T. GRCh37 (hg19) VCF-style: chr16-2810508-C-T.
Identifiers: ClinVar variation 4885909 (VCV004885909.2).

ClinVar aggregate classification (germline): Uncertain significance (1 of 4 stars; one submission).

gnomAD v4.1: 3 of 1,613,916 alleles (0.00019%); highest among the groups gnomAD compares: South Asian, 0.0011%; no homozygotes.

Submission:

Dasa
Classification: Uncertain significance. Last evaluated: 2025-10-14. Review status: criteria provided, single submitter. Criteria: DASA Assertion Criteria. Collection method: clinical testing. Allele origin: germline.
Comment: NM_016333.4(SRRM2):c.1032+8C>T is a splice-region variant. This variant is rare in population databases. Computational prediction algorithms are consistent with a benign effect. The currently available literature and clinical evidence are not sufficient to establish a definitive association between this variant and the reported condition. Therefore, this variant is classified as a variant of uncertain significance.